The following is an entry in ClinVar:

NM_172107.4(KCNQ2):c.400A>G (p.Ile134Val)

Gene: KCNQ2 (potassium voltage-gated channel subfamily Q member 2; minus strand). Cytogenetic location: 20q13.33.
Variant type: single nucleotide variant.
Coding change: c.400A>G on transcript NM_172107.4 (MANE Select); coding-DNA position 400, A replaced by G.
Protein change: p.Ile134Val; replaces isoleucine 134 with valine.
Molecular consequence: missense variant.
Genome position (GRCh38, 1-based): chr20:63,445,352, T>C on the plus strand (A>G on the coding strand, the complement: KCNQ2 is on the minus strand). VCF-style: chr20-63445352-T-C. GRCh37 (hg19) VCF-style: chr20-62076705-T-C.
Other names: c.400A>G, p.Ile134Val (NM_001382235.1, NM_004518.6, NM_172106.3 and 2 more transcripts); short protein forms I134V.
Identifiers: ClinVar variation 1009644 (VCV001009644.11), dbSNP rs2081381281, ClinGen allele CA409655592.

ClinVar aggregate classification (germline): Uncertain significance. Review status: criteria provided, multiple submitters, no conflicts (2 of 4 stars). 2 submissions from 2 submitters: Uncertain significance (2). Last evaluated 2022-02-10.

Conditions:
Early-infantile DEE. Also called: Ohtahara syndrome; Early infantile epileptic encephalopathy with suppression bursts; Early infantile epileptic encephalopathy. Identifiers: Orphanet 1934, MedGen C0393706, MONDO:0800491.

Submissions (2):

GeneDx
Classification: Uncertain significance. Last evaluated: 2022-02-10. Review status: criteria provided, single submitter. Criteria: GeneDx Variant Classification Process June 2021. Collection method: clinical testing. Allele origin: germline. Affected: yes.
Comment: Not observed at significant frequency in large population cohorts (gnomAD); Missense variants in this gene are often considered pathogenic (HGMD); In silico analysis supports that this missense variant does not alter protein structure/function; This substitution is predicted to be within the transmembrane segment S2; Has not been previously published as pathogenic or benign to our knowledge

Labcorp Genetics (formerly Invitae), Labcorp
Classification: Uncertain significance for Early-infantile DEE. Last evaluated: 2020-07-13. Review status: criteria provided, single submitter. Criteria: Invitae Variant Classification Sherloc (09022015). Collection method: clinical testing. Allele origin: germline.
Comment: This variant is not present in population databases (ExAC no frequency). This variant has not been reported in the literature in individuals with KCNQ2-related conditions. Algorithms developed to predict the effect of missense changes on protein structure and function are either unavailable or do not agree on the potential impact of this missense change (SIFT: "Tolerated"; PolyPhen-2: "Probably Damaging"; Align-GVGD: "Class C0"). This sequence change replaces isoleucine with valine at codon 134 of the KCNQ2 protein (p.Ile134Val). The isoleucine residue is highly conserved and there is a small physicochemical difference between isoleucine and valine. In summary, the available evidence is currently insufficient to determine the role of this variant in disease. Therefore, it has been classified as a Variant of Uncertain Significance.